The following is an entry in ClinVar:

ClinVar aggregate classification (germline): Benign/Likely benign. Review status: criteria provided, multiple submitters, no conflicts (2 of 4 stars). 4 submissions from 4 submitters: Benign (2); Likely benign (1). 1 of the submissions does not count toward it. Last evaluated 2026-01-28.

Conditions:
IKBKB-related disorder. Also called: IKBKB-related condition.
Severe combined immunodeficiency due to IKK2 deficiency. Also called: Immunodeficiency 15; IMMUNODEFICIENCY 15B. Identifiers: Orphanet 397787, MedGen C4747743, MONDO:0014267, OMIM 615592.

Allele frequency attached by ClinVar (database versions not stated): gnomAD exomes 0.00039 and 0.00093; ExAC 0.00116; 1000 Genomes Project 0.00220; 1000 Genomes Project 30x 0.00234; ESP Exome Variant Server 0.00331; gnomAD 0.00409 and 0.00443; TOPMed 0.00416.

Submissions (4):

Labcorp Genetics (formerly Invitae), Labcorp
Classification: Benign for Severe combined immunodeficiency due to IKK2 deficiency. Last evaluated: 2026-01-28. Review status: criteria provided, single submitter. Criteria: Invitae Variant Classification Sherloc (09022015). Collection method: clinical testing. Allele origin: germline.

Blueprint Genetics
Classification: Likely benign. Last evaluated: 2024-10-22. Review status: criteria provided, single submitter. Criteria: ACMG Guidelines, 2015. Collection method: clinical testing. Allele origin: germline.

CeGaT Center for Human Genetics Tuebingen
Classification: Benign. Last evaluated: 2022-06-01. Review status: criteria provided, single submitter. Criteria: CeGaT Center For Human Genetics Tuebingen Variant Classification Criteria Version 2. Collection method: clinical testing. Allele origin: germline. Affected: yes. Observed: 1 variant allele.
Comment: IKBKB: BP4, BP7, BS1, BS2

PreventionGenetics, part of Exact Sciences
Classification: Likely benign for IKBKB-related condition. Last evaluated: 2024-02-10. Review status: no assertion criteria provided. Collection method: clinical testing. Allele origin: germline. Not counted in ClinVar's aggregate classification.
Comment: This variant is classified as likely benign based on ACMG/AMP sequence variant interpretation guidelines (Richards et al. 2015 PMID: 25741868, with internal and published modifications).

NM_001556.3(IKBKB):c.1119C>T (p.Asp373=)

Gene: IKBKB (inhibitor of nuclear factor kappa B kinase subunit beta; plus strand). Cytogenetic location: 8p11.21.
Variant type: single nucleotide variant.
Coding change: c.1119C>T on transcript NM_001556.3 (MANE Select); coding-DNA position 1119, C replaced by T.
Protein change: p.Asp373=; no amino-acid change (aspartic acid 373 retained).
Molecular consequence: synonymous variant. On other transcripts: non-coding transcript variant (3).
Genome position (GRCh38, 1-based): chr8:42,316,898, C>T. VCF-style: chr8-42316898-C-T. GRCh37 (hg19) VCF-style: chr8-42174416-C-T.
Other names: c.927C>T, p.Asp309= (NM_001190720.3); c.942C>T, p.Asp314= (NM_001242778.2).
Identifiers: ClinVar variation 474789 (VCV000474789.37), dbSNP rs140666106, ClinGen allele CA4731882.